The following is an entry in ClinVar:

NM_013435.3(RAX):c.610C>A (p.Leu204Met)

Gene: RAX (retina and anterior neural fold homeobox; minus strand). Cytogenetic location: 18q21.32.
Variant type: single nucleotide variant.
Coding change: c.610C>A on transcript NM_013435.3 (MANE Select); coding-DNA position 610, C replaced by A.
Protein change: p.Leu204Met; replaces leucine 204 with methionine.
Molecular consequence: missense variant.
Genome position (GRCh38, 1-based): chr18:59,269,435, G>T on the plus strand (C>A on the coding strand, the complement: RAX is on the minus strand). VCF-style: chr18-59269435-G-T. GRCh37 (hg19) VCF-style: chr18-56936667-G-T.
Other names: short protein forms L204M.
Identifiers: ClinVar variation 714458 (VCV000714458.6), dbSNP rs200647674, ClinGen allele CA8979289.

ClinVar aggregate classification (germline): Benign. Review status: criteria provided, single submitter (1 of 4 stars). 2 submissions from 2 submitters: Benign (1). 1 of the submissions does not count toward it. Last evaluated 2019-12-31.

Conditions:
Isolated microphthalmia 3 (MCOPS16). Also called: MICROPHTHALMIA, SYNDROMIC 16. Identifiers: Orphanet 2542, MedGen C5774181, MONDO:0012604, OMIM 611038.
RAX-related disorder. Also called: RAX-related condition.

Allele frequency attached by ClinVar (database versions not stated): gnomAD 0.00010; gnomAD exomes 0.00013 and 0.00047; TOPMed 0.00032; 1000 Genomes Project 30x 0.00047; ExAC 0.00091.
gnomAD v4.1: 202 of 1,589,050 alleles (0.013%); highest among the groups gnomAD compares: East Asian, 0.44%; 1 homozygote.

Submissions (2):

Labcorp Genetics (formerly Invitae), Labcorp
Classification: Benign for Microphthalmia, isolated 3. Last evaluated: 2019-12-31. Review status: criteria provided, single submitter. Criteria: Invitae Variant Classification Sherloc (09022015). Collection method: clinical testing. Allele origin: germline.

PreventionGenetics, part of Exact Sciences
Classification: Likely benign for RAX-related condition. Last evaluated: 2019-09-17. Review status: no assertion criteria provided. Collection method: clinical testing. Allele origin: germline. Not counted in ClinVar's aggregate classification.
Comment: This variant is classified as likely benign based on ACMG/AMP sequence variant interpretation guidelines (Richards et al. 2015 PMID: 25741868, with internal and published modifications).